The following is an entry in ClinVar:

NM_004208.4(AIFM1):c.106+3dup

Genes: AIFM1 (apoptosis inducing factor mitochondria associated 1; minus strand), RAB33A (RAB33A, member RAS oncogene family; plus strand), LOC130068679 (ATAC-STARR-seq lymphoblastoid active region 29939; plus strand). Cytogenetic location: Xq26.1.
Variant type: Duplication.
Coding change: c.106+3dup on transcript NM_004208.4 (MANE Select); 3 bases into the intron after coding-DNA position 106, one base duplicated (G; older notation c.106+3dupG).
Molecular consequence: intron variant.
Genome position (GRCh38, 1-based): chrX:130,165,548, C duplicated on the plus strand (G on the coding strand, the reverse complement: AIFM1 is on the minus strand). VCF-style (leftmost placement, unchanged base first): chrX-130165547-T-TC. GRCh37 (hg19) VCF-style: chrX-129299521-T-TC.
Other names: c.106+3dup (NM_145812.3, NM_001130847.4).
Identifiers: ClinVar variation 2005114 (VCV002005114.4), dbSNP rs2486303349, ClinGen allele CA2580101498.

ClinVar aggregate classification (germline): Uncertain significance (1 of 4 stars; one submission).

Conditions:
Charcot-Marie-Tooth Neuropathy X. Identifiers: MedGen CN118851.
Combined oxidative phosphorylation deficiency. Identifiers: MedGen C4540031, MONDO:0000732.

Submission:

Labcorp Genetics (formerly Invitae), Labcorp
Classification: Uncertain significance for Charcot-Marie-Tooth Neuropathy X; Combined oxidative phosphorylation deficiency. Last evaluated: 2022-08-16. Review status: criteria provided, single submitter. Criteria: Invitae Variant Classification Sherloc (09022015). Collection method: clinical testing. Allele origin: germline.
Comment: In summary, the available evidence is currently insufficient to determine the role of this variant in disease. Therefore, it has been classified as a Variant of Uncertain Significance. Variants that disrupt the consensus splice site are a relatively common cause of aberrant splicing (PMID: 17576681, 9536098). Algorithms developed to predict the effect of sequence changes on RNA splicing suggest that this variant may disrupt the consensus splice site. This variant has been observed in individual(s) with clinical features of AIFM1-related conditions (Invitae). This variant is not present in population databases (gnomAD no frequency). This sequence change falls in intron 1 of the AIFM1 gene. It does not directly change the encoded amino acid sequence of the AIFM1 protein. It affects a nucleotide within the consensus splice site.

Literature cited by the submitters: PubMed 17576681; PubMed 9536098.